The following is an entry in ClinVar:

NM_015087.5(SPART):c.8A>G (p.Gln3Arg)

Gene: SPART (spartin; minus strand). Cytogenetic location: 13q13.3.
Variant type: single nucleotide variant.
Coding change: c.8A>G on transcript NM_015087.5 (MANE Select); coding-DNA position 8, A replaced by G.
Protein change: p.Gln3Arg; replaces glutamine 3 with arginine.
Molecular consequence: missense variant.
Genome position (GRCh38, 1-based): chr13:36,335,823, T>C on the plus strand (A>G on the coding strand, the complement: SPART is on the minus strand). VCF-style: chr13-36335823-T-C. GRCh37 (hg19) VCF-style: chr13-36909960-T-C.
Other names: c.8A>G, p.Gln3Arg (NM_001142294.2, NM_001142295.2, NM_001142296.2); short protein forms Q3R.
Identifiers: ClinVar variation 2154573 (VCV002154573.4), dbSNP rs2500770033, ClinGen allele CA387865950.

ClinVar aggregate classification (germline): Uncertain significance (1 of 4 stars; one submission).

Allele frequency attached by ClinVar (database versions not stated): gnomAD exomes 0.00001.
gnomAD v4.1: 5 of 1,611,896 alleles (0.00031%); highest among the groups gnomAD compares: Non-Finnish European, 0.00042%; no homozygotes.

Submission:

Labcorp Genetics (formerly Invitae), Labcorp
Classification: Uncertain significance. Last evaluated: 2025-03-03. Review status: criteria provided, single submitter. Criteria: Invitae Variant Classification Sherloc (09022015). Collection method: clinical testing. Allele origin: germline.
Comment: This sequence change replaces glutamine, which is neutral and polar, with arginine, which is basic and polar, at codon 3 of the SPART protein (p.Gln3Arg). This variant is not present in population databases (gnomAD no frequency). This variant has not been reported in the literature in individuals affected with SPART-related conditions. ClinVar contains an entry for this variant (Variation ID: 2154573). An algorithm developed to predict the effect of missense changes on protein structure and function outputs the following: PolyPhen-2: "Benign". The arginine amino acid residue is found in multiple mammalian species, which suggests that this missense change does not adversely affect protein function. In summary, the available evidence is currently insufficient to determine the role of this variant in disease. Therefore, it has been classified as a Variant of Uncertain Significance.